The following is an entry in ClinVar:

ClinVar aggregate classification (germline): Uncertain significance (1 of 4 stars; one submission).

gnomAD v4.1: 5 of 1,596,810 alleles (0.00031%); highest among the groups gnomAD compares: South Asian, 0.0011%; no homozygotes.

Submission:

Labcorp Genetics (formerly Invitae), Labcorp
Classification: Uncertain significance. Last evaluated: 2024-06-03. Review status: criteria provided, single submitter. Criteria: Invitae Variant Classification Sherloc (09022015). Collection method: clinical testing. Allele origin: germline.
Comment: This sequence change replaces alanine, which is neutral and non-polar, with serine, which is neutral and polar, at codon 1339 of the ADAMTS9 protein (p.Ala1339Ser). This variant is not present in population databases (gnomAD no frequency). This variant has not been reported in the literature in individuals affected with ADAMTS9-related conditions. An algorithm developed to predict the effect of missense changes on protein structure and function (PolyPhen-2) suggests that this variant is likely to be tolerated. In summary, the available evidence is currently insufficient to determine the role of this variant in disease. Therefore, it has been classified as a Variant of Uncertain Significance.

NM_182920.2(ADAMTS9):c.4015G>T (p.Ala1339Ser)

Gene: ADAMTS9 (ADAM metallopeptidase with thrombospondin type 1 motif 9; minus strand). Cytogenetic location: 3p14.1.
Variant type: single nucleotide variant.
Coding change: c.4015G>T on transcript NM_182920.2 (MANE Select); coding-DNA position 4015, G replaced by T.
Protein change: p.Ala1339Ser; replaces alanine 1339 with serine.
Molecular consequence: missense variant.
Genome position (GRCh38, 1-based): chr3:64,601,946, C>A on the plus strand (G>T on the coding strand, the complement: ADAMTS9 is on the minus strand). VCF-style: chr3-64601946-C-A. GRCh37 (hg19) VCF-style: chr3-64587622-C-A.
Other names: c.3931G>T, p.Ala1311Ser (NM_001318781.2); short protein forms A1339S, A1311S.
Identifiers: ClinVar variation 2979038 (VCV002979038.3), dbSNP rs773740619, ClinGen allele CA353440277.
Genomic context (GRCh38, chr3:64,601,946, plus strand): 5'-TTACCCTAAACCCAACCTCAAGTGAAAGAGAAGCAAGCAAACTTCAGGGAATACTCACTG[C>A]TCCCCAGGGGCCAGTTCTCCACTGGTTTCCACCGAGCACATGGGTGCGGCTGGGGCTGGC-3'
Protein context (NP_891550.1, residues 1329-1349): GNQWRTGPWG[Ala1339Ser]CSSTCAGGSQ